The following is an entry in ClinVar:

NM_000256.3(MYBPC3):c.1432_1436delinsGC (p.Ser478_Glu479delinsAla)

Gene: MYBPC3 (myosin binding protein C3; minus strand). Cytogenetic location: 11p11.2.
Variant type: Indel.
Coding change: c.1432_1436delinsGC on transcript NM_000256.3 (MANE Select); coding-DNA positions 1432 to 1436, TCGGA replaced by GC.
Protein change: p.Ser478_Glu479delinsAla.
Molecular consequence: inframe indel.
Genome position (GRCh38, 1-based): chr11:47,342,851-47,342,855, TCCGA replaced by GC on the plus strand (TCGGA replaced by GC on the coding strand, the reverse complement: MYBPC3 is on the minus strand). VCF-style: chr11-47342851-TCCGA-GC. GRCh37 (hg19) VCF-style: chr11-47364402-TCCGA-GC.
Identifiers: ClinVar variation 1285446 (VCV001285446.1), dbSNP rs2142861363, ClinGen allele CA2499220974.

ClinVar aggregate classification (germline): Uncertain significance (1 of 4 stars; one submission).

Conditions:
Hypertrophic cardiomyopathy 4. Also called: Familial hypertrophic cardiomyopathy 4. Identifiers: MedGen C1861862, MONDO:0007268, OMIM 115197.

Submission:

Institute of Human Genetics, University of Leipzig Medical Center
Classification: Uncertain significance for Hypertrophic cardiomyopathy 4. Last evaluated: 2020-11-11. Review status: criteria provided, single submitter. Criteria: ACMG Guidelines, 2015. Collection method: clinical testing. Allele origin: unknown. Affected: yes.
Comment: Despite strong evidence for its pathogenicity, this variant has to be classified as of unknown significance, according to the ACMG-criteria (Richards et al., 2015)